The following is an entry in ClinVar:

ClinVar aggregate classification (germline): Uncertain significance (1 of 4 stars; one submission).

Allele frequency attached by ClinVar (database versions not stated): gnomAD exomes below 0.00001.
gnomAD v4.1: 2 of 1,613,782 alleles (0.00012%); highest among the groups gnomAD compares: Non-Finnish European, 0.00017%; no homozygotes.

Submission:

Labcorp Genetics (formerly Invitae), Labcorp
Classification: Uncertain significance. Last evaluated: 2025-08-03. Review status: criteria provided, single submitter. Criteria: Invitae Variant Classification Sherloc (09022015). Collection method: clinical testing. Allele origin: germline.
Comment: This sequence change affects codon 1054 of the LRP6 mRNA. It is a 'silent' change, meaning that it does not change the encoded amino acid sequence of the LRP6 protein. This variant is not present in population databases (gnomAD no frequency). This variant has not been reported in the literature in individuals affected with LRP6-related conditions. ClinVar contains an entry for this variant (Variation ID: 2853888). Algorithms developed to predict the effect of sequence changes on RNA splicing suggest that this variant may disrupt the consensus splice site. In summary, the available evidence is currently insufficient to determine the role of this variant in disease. Therefore, it has been classified as a Variant of Uncertain Significance.

NM_002336.3(LRP6):c.3162C>T (p.Gly1054=)

Gene: LRP6 (LDL receptor related protein 6; minus strand). Cytogenetic location: 12p13.2.
Variant type: single nucleotide variant.
Coding change: c.3162C>T on transcript NM_002336.3 (MANE Select); coding-DNA position 3162, C replaced by T.
Protein change: p.Gly1054=; no amino-acid change (glycine 1054 retained).
Molecular consequence: synonymous variant. On other transcripts: non-coding transcript variant (1).
Genome position (GRCh38, 1-based): chr12:12,148,986, G>A on the plus strand (C>T on the coding strand, the complement: LRP6 is on the minus strand). VCF-style: chr12-12148986-G-A. GRCh37 (hg19) VCF-style: chr12-12301920-G-A.
Other names: c.3162C>T, p.Gly1054= (NM_001414244.1, NM_001414245.1, NM_001414246.1 and 4 more transcripts); c.2964C>T, p.Gly988= (NM_001414247.1); c.2709C>T, p.Gly903= (NM_001414252.1, NM_001414253.1, NM_001414254.1); c.2655C>T, p.Gly885= (NM_001414255.1).
Identifiers: ClinVar variation 2853888 (VCV002853888.3), dbSNP rs2498754724, ClinGen allele CA478655635.